The following is an entry in ClinVar:

ClinVar aggregate classification (germline): Conflicting classifications of pathogenicity. Review status: criteria provided, conflicting classifications (1 of 4 stars). 9 submissions from 9 submitters: Uncertain significance (4); Likely benign (4). 1 of the submissions does not count toward it. Last evaluated 2026-01-28.

Conditions:
FRAS1-related disorder. Also called: FRAS1-related condition.
Fraser syndrome 1 (FRASRS1). Also called: CRYPTOPHTHALMOS WITH OTHER MALFORMATIONS. Identifiers: Orphanet 2052, MedGen C4551480, MONDO:0054737, OMIM 219000.

Allele frequency attached by ClinVar (database versions not stated): gnomAD 0.00131; ExAC 0.00141; gnomAD exomes 0.00142 and 0.00259; TOPMed 0.00147; ESP Exome Variant Server 0.00156.
gnomAD v4.1: 3,905 of 1,613,870 alleles (0.24%); highest among the groups gnomAD compares: Non-Finnish European, 0.31%; 5 homozygotes.

Submissions (9):

Labcorp Genetics (formerly Invitae), Labcorp
Classification: Likely benign. Last evaluated: 2026-01-28. Review status: criteria provided, single submitter. Criteria: Invitae Variant Classification Sherloc (09022015). Collection method: clinical testing. Allele origin: germline.

CeGaT Center for Human Genetics Tuebingen
Classification: Likely benign. Last evaluated: 2026-01-01. Review status: criteria provided, single submitter. Criteria: CeGaT Center For Human Genetics Tuebingen Variant Classification Criteria Version 2. Collection method: clinical testing. Allele origin: germline. Affected: yes. Observed: 3 variant alleles.
Comment: FRAS1: BP4, BS2

GeneDx
Classification: Uncertain significance. Last evaluated: 2025-06-23. Review status: criteria provided, single submitter. Criteria: GeneDx Variant Classification Process June 2021. Collection method: clinical testing. Allele origin: germline. Affected: yes.
Comment: Observed in the presence of a second FRAS1 variant, as identified by whole exome sequencing, in an individual with acinar dysplasia; however, this individual was also found to have a variant in a different gene that may be influencing the phenotype (PMID: 30639323); In silico analysis supports that this missense variant has a deleterious effect on protein structure/function; This variant is associated with the following publications: (PMID: 30639323)

Blueprint Genetics
Classification: Likely benign. Last evaluated: 2024-11-07. Review status: criteria provided, single submitter. Criteria: ACMG Guidelines, 2015. Collection method: clinical testing. Allele origin: germline.

Revvity Omics, Revvity
Classification: Uncertain significance for Fraser syndrome 1. Last evaluated: 2022-09-19. Review status: criteria provided, single submitter. Criteria: ACMG Guidelines, 2015. Collection method: clinical testing. Allele origin: germline.

Women's Health and Genetics/Laboratory Corporation of America, LabCorp
Classification: Likely benign. Last evaluated: 2022-01-21. Review status: criteria provided, single submitter. Criteria: LabCorp Variant Classification Summary - May 2015. Collection method: clinical testing. Allele origin: germline.
Comment: Variant summary: FRAS1 c.7039G>T (p.Val2347Phe) results in a non-conservative amino acid change in the encoded protein sequence. Three of five in-silico tools predict a benign effect of the variant on protein function. The variant allele was found at a frequency of 0.0014 in 248778 control chromosomes, predominantly at a frequency of 0.0025 within the Non-Finnish European subpopulation in the gnomAD database. The observed variant frequency within Non-Finnish European control individuals in the gnomAD database is approximately 1.4 fold of the estimated maximal expected allele frequency for a pathogenic variant in FRAS1 causing Cryptophthalmos Syndrome phenotype (0.0018), strongly suggesting that the variant is a benign polymorphism found primarily in populations of Non-Finnish European origin. c.7039G>T has been reported in the literature with an unknown inheritance pattern in an individual affected with lung hypoplasia presenting as marked variation with acinar dysplasia ranging to near normal (example, Karolak_2019). These report(s) do not provide unequivocal conclusions about association of the variant with Fraser/Cryptophthalmos Syndrome. To our knowledge, no experimental evidence demonstrating an impact on protein function has been reported. Four clinical diagnostic laboratories have submitted clinical-significance assessments for this variant to ClinVar after 2014 without evidence for independent evaluation. All laboratories classified the variant as uncertain significance. Based on the evidence outlined above, the variant was classified as likely benign.

Illumina Laboratory Services, Illumina
Classification: Uncertain significance for Fraser syndrome 1. Last evaluated: 2018-01-13. Review status: criteria provided, single submitter. Criteria: ICSL Variant Classification Criteria 13 December 2019. Collection method: clinical testing. Allele origin: germline.

Eurofins Ntd Llc (ga)
Classification: Uncertain significance. Last evaluated: 2015-01-22. Review status: criteria provided, single submitter. Criteria: EGL Classification Definitions 2015. Collection method: clinical testing. Allele origin: germline. Observed: 1 variant allele, 1 heterozygote.

PreventionGenetics, part of Exact Sciences
Classification: Likely benign for FRAS1-related condition. Last evaluated: 2021-10-08. Review status: no assertion criteria provided. Collection method: clinical testing. Allele origin: germline. Not counted in ClinVar's aggregate classification.
Comment: This variant is classified as likely benign based on ACMG/AMP sequence variant interpretation guidelines (Richards et al. 2015 PMID: 25741868, with internal and published modifications).

Literature cited by the submitters: PubMed 30639323 (cited by Women's Health and Genetics/Laboratory Corporation of America, LabCorp).

NM_025074.7(FRAS1):c.7039G>T (p.Val2347Phe)

Gene: FRAS1 (Fraser extracellular matrix complex subunit 1; plus strand). Cytogenetic location: 4q21.21.
Variant type: single nucleotide variant.
Coding change: c.7039G>T on transcript NM_025074.7 (MANE Select); coding-DNA position 7039, G replaced by T.
Protein change: p.Val2347Phe; replaces valine 2347 with phenylalanine.
Molecular consequence: missense variant.
Genome position (GRCh38, 1-based): chr4:78,466,217, G>T. VCF-style: chr4-78466217-G-T. GRCh37 (hg19) VCF-style: chr4-79387371-G-T.
Other names: short protein forms V2347F.
Identifiers: ClinVar variation 197915 (VCV000197915.69), dbSNP rs201369510, ClinGen allele CA246305.